The following is an entry in ClinVar:

ClinVar aggregate classification (germline): Uncertain significance. Review status: criteria provided, multiple submitters, no conflicts (2 of 4 stars). 2 submissions from 2 submitters: Uncertain significance (2). Last evaluated 2026-07-23.

Conditions:
Inborn genetic diseases. Identifiers: MedGen C0950123, MeSH D030342.
Koolen-de Vries syndrome (KDVS). Identifiers: Orphanet 96169, MedGen C1864871, MONDO:0012496, OMIM 610443.

Allele frequency attached by ClinVar (database versions not stated): TOPMed below 0.00001; gnomAD 0.00001.
gnomAD v4.1: 1 of 1,614,050 alleles (0.000062%); highest among the groups gnomAD compares: African/African-American, 0.0013%; no homozygotes.

Submissions (2):

Ambry Genetics
Classification: Uncertain significance for Inborn genetic diseases. Last evaluated: 2026-07-23. Review status: criteria provided, single submitter. Criteria: Ambry Variant Classification Scheme 2023. Collection method: clinical testing. Allele origin: germline.
Comment: The c.1768G>T (p.A590S) alteration is located in exon 6 (coding exon 5) of the KANSL1 gene. This alteration results from a G to T substitution at nucleotide position 1768, causing the alanine (A) at amino acid position 590 to be replaced by a serine (S). Based on data from gnomAD, the T allele has an overall frequency of 0.003% (1/31404) total alleles studied. The highest observed frequency was 0.012% (1/8714) of African alleles. Based on insufficient or conflicting evidence, the clinical significance of this alteration remains unclear.

Labcorp Genetics (formerly Invitae), Labcorp
Classification: Uncertain significance for Koolen-de Vries syndrome. Last evaluated: 2024-11-28. Review status: criteria provided, single submitter. Criteria: Invitae Variant Classification Sherloc (09022015). Collection method: clinical testing. Allele origin: germline.
Comment: This sequence change replaces alanine, which is neutral and non-polar, with serine, which is neutral and polar, at codon 590 of the KANSL1 protein (p.Ala590Ser). This variant is present in population databases (no rsID available, gnomAD 0.01%). This variant has not been reported in the literature in individuals affected with KANSL1-related conditions. ClinVar contains an entry for this variant (Variation ID: 1905069). Invitae Evidence Modeling of protein sequence and biophysical properties (such as structural, functional, and spatial information, amino acid conservation, physicochemical variation, residue mobility, and thermodynamic stability) indicates that this missense variant is not expected to disrupt KANSL1 protein function with a negative predictive value of 80%. This variant disrupts the p.Ala590 amino acid residue in KANSL1. Other variant(s) that disrupt this residue have been determined to be pathogenic (internal data). This suggests that this residue is clinically significant, and that variants that disrupt this residue are likely to be disease-causing. In summary, the available evidence is currently insufficient to determine the role of this variant in disease. Therefore, it has been classified as a Variant of Uncertain Significance.

NM_015443.4(KANSL1):c.1768G>T (p.Ala590Ser)

Gene: KANSL1 (KAT8 regulatory NSL complex subunit 1). Cytogenetic location: 17q21.31.
Variant type: single nucleotide variant.
Coding change: c.1768G>T on transcript NM_015443.4 (MANE Select); coding-DNA position 1768, G replaced by T.
Protein change: p.Ala590Ser; replaces alanine 590 with serine.
Molecular consequence: missense variant.
Genome position (GRCh38, 1-based): chr17:46,066,617, C>A on the plus strand (G>T on the coding strand, the complement: KANSL1 is on the minus strand). VCF-style: chr17-46066617-C-A. GRCh37 (hg19) VCF-style: chr17-44143983-C-A.
Other names: c.1768G>T (NM_001193466.1); c.502G>T, p.Ala168Ser (NM_001405884.1, NM_001405885.1, NM_001405882.1 and 1 more transcripts); c.1768G>T, p.Ala590Ser (NM_001193465.2, NM_001193466.2, NM_001379198.1 and 14 more transcripts); c.1666G>T, p.Ala556Ser (NM_001405859.1, NM_001405860.1, NM_001405861.1 and 1 more transcripts); short protein forms A590S, A168S, A556S.
Identifiers: ClinVar variation 1905069 (VCV001905069.6), dbSNP rs1372778597, ClinGen allele CA399986500.